The following is an entry in ClinVar:

ClinVar aggregate classification (germline): Uncertain significance (1 of 4 stars; one submission).

Conditions:
Ichthyosis linearis circumflexa. Identifiers: MedGen C0265962, MONDO:0043106, HP:0025810.

Allele frequency attached by ClinVar (database versions not stated): gnomAD 0.00001; TOPMed 0.00001; ExAC 0.00003.
gnomAD v4.1: 11 of 1,614,004 alleles (0.00068%); highest among the groups gnomAD compares: South Asian, 0.0011%; no homozygotes.

Submission:

Labcorp Genetics (formerly Invitae), Labcorp
Classification: Uncertain significance for Ichthyosis linearis circumflexa. Last evaluated: 2024-07-01. Review status: criteria provided, single submitter. Criteria: Invitae Variant Classification Sherloc (09022015). Collection method: clinical testing. Allele origin: germline.
Comment: This sequence change replaces cysteine, which is neutral and slightly polar, with tyrosine, which is neutral and polar, at codon 721 of the SPINK5 protein (p.Cys721Tyr). This variant is present in population databases (rs751402960, gnomAD 0.003%). This variant has not been reported in the literature in individuals affected with SPINK5-related conditions. ClinVar contains an entry for this variant (Variation ID: 845327). Advanced modeling of protein sequence and biophysical properties (such as structural, functional, and spatial information, amino acid conservation, physicochemical variation, residue mobility, and thermodynamic stability) performed at Invitae indicates that this missense variant is expected to disrupt SPINK5 protein function with a positive predictive value of 80%. In summary, the available evidence is currently insufficient to determine the role of this variant in disease. Therefore, it has been classified as a Variant of Uncertain Significance.

NM_006846.4(SPINK5):c.2162G>A (p.Cys721Tyr)

Gene: SPINK5 (serine peptidase inhibitor Kazal type 5; plus strand). Cytogenetic location: 5q32.
Variant type: single nucleotide variant.
Coding change: c.2162G>A on transcript NM_006846.4 (MANE Select); coding-DNA position 2162, G replaced by A.
Protein change: p.Cys721Tyr; replaces cysteine 721 with tyrosine.
Molecular consequence: missense variant.
Genome position (GRCh38, 1-based): chr5:148,118,486, G>A. VCF-style: chr5-148118486-G-A. GRCh37 (hg19) VCF-style: chr5-147498049-G-A.
Other names: c.2162G>A, p.Cys721Tyr (NM_001127698.2, NM_001127699.2); short protein forms C721Y.
Identifiers: ClinVar variation 845327 (VCV000845327.7), dbSNP rs751402960, ClinGen allele CA3495881.